The following is an entry in ClinVar:

ClinVar aggregate classification (germline): Pathogenic/Likely pathogenic. Review status: criteria provided, multiple submitters, no conflicts (2 of 4 stars). 4 submissions from 4 submitters: Pathogenic (2); Likely pathogenic (1). 1 of the submissions does not count toward it. Last evaluated 2024-11-11.

Conditions:
Kabuki syndrome. Also called: NIIKAWA-KUROKI SYNDROME; Kabuki make-up syndrome. Identifiers: Orphanet 2322, MedGen C0796004, MONDO:0016512.
Kabuki syndrome 1 (KABUK1). Also called: KMT2D-Related Kabuki Syndrome. Identifiers: Orphanet 2322, MedGen CN030661, MONDO:0007843, OMIM 147920.

Submissions (4):

Labcorp Genetics (formerly Invitae), Labcorp
Classification: Pathogenic for Kabuki syndrome. Last evaluated: 2024-11-11. Review status: criteria provided, single submitter. Criteria: Invitae Variant Classification Sherloc (09022015). Collection method: clinical testing. Allele origin: germline.
Comment: This sequence change creates a premature translational stop signal (p.Gln4157*) in the KMT2D gene. It is expected to result in an absent or disrupted protein product. Loss-of-function variants in KMT2D are known to be pathogenic (PMID: 22126750). This variant is not present in population databases (gnomAD no frequency). This premature translational stop signal has been observed in individual(s) with KMT2D-related conditions (PMID: 27302555). ClinVar contains an entry for this variant (Variation ID: 547481). For these reasons, this variant has been classified as Pathogenic.

Genomic Medicine Lab, University of California San Francisco
Classification: Pathogenic for Kabuki syndrome 1. Last evaluated: 2020-08-13. Review status: criteria provided, single submitter. Criteria: ACMG Guidelines, 2015. Collection method: clinical testing. Allele origin: de novo. Inheritance: Autosomal dominant inheritance. Affected: yes. Study: CSER-P3EGS.

Center for Human Genetics, Inc
Classification: Likely pathogenic for Kabuki syndrome 1. Last evaluated: 2016-11-01. Review status: criteria provided, single submitter. Criteria: ACMG Guidelines, 2015. Collection method: clinical testing. Allele origin: germline. Affected: yes.

Autoinflammatory diseases unit, CHU de Montpellier
Classification: Pathogenic for Kabuki syndrome 1. Last evaluated: 2013-10-01. Review status: no assertion criteria provided. Collection method: clinical testing. Allele origin: unknown. Affected: yes. Not counted in ClinVar's aggregate classification.

Literature cited by the submitters: PubMed 22126750 (cited by Labcorp Genetics (formerly Invitae), Labcorp); PubMed 27302555 (cited by Labcorp Genetics (formerly Invitae), Labcorp).

NM_003482.4(KMT2D):c.12469C>T (p.Gln4157Ter)

Gene: KMT2D (lysine methyltransferase 2D; minus strand). Cytogenetic location: 12q13.12.
Variant type: single nucleotide variant.
Coding change: c.12469C>T on transcript NM_003482.4 (MANE Select); coding-DNA position 12469, C replaced by T.
Protein change: p.Gln4157Ter; replaces glutamine 4157 with a stop codon.
Molecular consequence: nonsense.
Genome position (GRCh38, 1-based): chr12:49,032,236, G>A on the plus strand (C>T on the coding strand, the complement: KMT2D is on the minus strand). VCF-style: chr12-49032236-G-A. GRCh37 (hg19) VCF-style: chr12-49426019-G-A.
Other names: short protein forms Q4157*.
Identifiers: ClinVar variation 547481 (VCV000547481.6), dbSNP rs1555188080, ClinGen allele CA384711398.